The following is an entry in ClinVar:

NM_005708.5(GPC6):c.421G>C (p.Asp141His)

Genes: GPC6 (glypican 6; plus strand), GPC6-AS2 (GPC6 antisense RNA 2; minus strand). Cytogenetic location: 13q31.3.
Variant type: single nucleotide variant.
Coding change: c.421G>C on transcript NM_005708.5 (MANE Select); coding-DNA position 421, G replaced by C.
Protein change: p.Asp141His; replaces aspartic acid 141 with histidine.
Molecular consequence: missense variant.
Genome position (GRCh38, 1-based): chr13:93,830,255, G>C. VCF-style: chr13-93830255-G-C. GRCh37 (hg19) VCF-style: chr13-94482508-G-C.
Other names: short protein forms D141H.
Identifiers: ClinVar variation 1946993 (VCV001946993.5), dbSNP rs2502078353, ClinGen allele CA388465274.
Genomic context (GRCh38, chr13:93,830,255, plus strand): 5'-AATGATATGTTTGTACGGACCTATGGCATGCTGTACATGCAGAATTCAGAAGTCTTCCAG[G>C]ACCTCTTCACAGAGCTGAAAAGGTACTACACTGGGGGTAATGTGAATCTGGAGGAAATGC-3'
Protein context (NP_005699.1, residues 131-151): LYMQNSEVFQ[Asp141His]LFTELKRYYT

ClinVar aggregate classification (germline): Uncertain significance (1 of 4 stars; one submission).

Submission:

Labcorp Genetics (formerly Invitae), Labcorp
Classification: Uncertain significance. Last evaluated: 2024-10-15. Review status: criteria provided, single submitter. Criteria: Invitae Variant Classification Sherloc (09022015). Collection method: clinical testing. Allele origin: germline.
Comment: This sequence change replaces aspartic acid, which is acidic and polar, with histidine, which is basic and polar, at codon 141 of the GPC6 protein (p.Asp141His). This variant is not present in population databases (gnomAD no frequency). This variant has not been reported in the literature in individuals affected with GPC6-related conditions. ClinVar contains an entry for this variant (Variation ID: 1946993). Invitae Evidence Modeling of protein sequence and biophysical properties (such as structural, functional, and spatial information, amino acid conservation, physicochemical variation, residue mobility, and thermodynamic stability) indicates that this missense variant is not expected to disrupt GPC6 protein function with a negative predictive value of 80%. In summary, the available evidence is currently insufficient to determine the role of this variant in disease. Therefore, it has been classified as a Variant of Uncertain Significance.